The following is an entry in ClinVar:

ClinVar aggregate classification (germline): Conflicting classifications of pathogenicity. Review status: criteria provided, conflicting classifications (1 of 4 stars). 6 submissions from 6 submitters: Pathogenic (1); Likely pathogenic (2); Uncertain significance (2). 1 of the submissions does not count toward it. Last evaluated 2025-07-03.

Conditions:
Niemann-Pick disease, type C1. Also called: NIEMANN-PICK DISEASE, VARIANT TYPE C1; NEUROVISCERAL STORAGE DISEASE WITH VERTICAL SUPRANUCLEAR OPHTHALMOPLEGIA; NIEMANN-PICK DISEASE WITH CHOLESTEROL ESTERIFICATION BLOCK; NIEMANN-PICK DISEASE WITHOUT SPHINGOMYELINASE DEFICIENCY; NIEMANN-PICK DISEASE, CHRONIC NEURONOPATHIC FORM. Identifiers: Orphanet 646, MedGen C3179455, MONDO:0009757, OMIM 257220.
NPC1-related disorder. Also called: NPC1-related condition.

Allele frequency attached by ClinVar (database versions not stated): gnomAD exomes below 0.00001 and 0.00001; TOPMed 0.00001.
gnomAD v4.1: 3 of 1,614,078 alleles (0.00019%); highest among the groups gnomAD compares: South Asian, 0.0011%; no homozygotes.

Submissions (6):

Women's Health and Genetics/Laboratory Corporation of America, LabCorp
Classification: Uncertain significance. Last evaluated: 2025-07-03. Review status: criteria provided, single submitter. Criteria: LabCorp Variant Classification Summary - May 2015. Collection method: clinical testing. Allele origin: germline.
Comment: Variant summary: NPC1 c.3281T>C (p.Ile1094Thr) results in a non-conservative amino acid change in the encoded protein sequence. Algorithms developed to predict the effect of missense changes on protein structure and function all suggest that this variant is likely to be disruptive. The variant allele was found at a frequency of 4e-06 in 251410 control chromosomes. c.3281T>C has been reported in the literature in compound heterozygous individuals affected with Niemann-Pick Disease Type C (Kaminski_2002, Mazzacuva_2016, Stampfer_2013, Rodriguez-Gil_2021, Abela_2014). These data indicate that the variant may be associated with disease. To our knowledge, no experimental evidence demonstrating an impact on protein function has been reported. The following publications have been ascertained in the context of this evaluation (PMID: 12408188, 27139891, 23433426, 31509197, 37032242, 15465421, 22585405, 27238017, 12955717, 34296265, 31543266, 25425405). ClinVar contains an entry for this variant (Variation ID: 547997). Based on the evidence outlined above, the variant was classified as VUS-possibly pathogenic.

Natera, Inc.
Classification: Likely pathogenic for Niemann-Pick disease type C1. Last evaluated: 2025-02-18. Review status: criteria provided, single submitter. Criteria: Natera Variant Classification Schema (03/2026). Collection method: clinical testing. Allele origin: germline.
Comment: The c.3281T>C variant in NPC1 is a missense variant predicted to cause substitution of isoleucine to threonine at amino acid 1094. This variant is rare in the general population with a frequency below the threshold expected for the associated phenotype(s). This variant has been observed in one or more individuals affected with the associated recessive disease, as either homozygous or compound heterozygous with a second variant (PMID: 23433426, 34296265, 27139891). Additionally, this variant has been observed to segregate in affected family members (PMID: 23433426). Computational prediction algorithms indicate this variant is likely to affect gene or protein function. Given the available evidence, this variant is classified as Likely Pathogenic.

Labcorp Genetics (formerly Invitae), Labcorp
Classification: Likely pathogenic for Niemann-Pick disease, type C1. Last evaluated: 2024-12-10. Review status: criteria provided, single submitter. Criteria: Invitae Variant Classification Sherloc (09022015). Collection method: clinical testing. Allele origin: germline.
Comment: This sequence change replaces isoleucine, which is neutral and non-polar, with threonine, which is neutral and polar, at codon 1094 of the NPC1 protein (p.Ile1094Thr). This variant is present in population databases (no rsID available, gnomAD 0.003%). This missense change has been observed in individuals with Niemann-Pick disease type C (PMID: 12408188, 23433426, 27139891). ClinVar contains an entry for this variant (Variation ID: 547997). Invitae Evidence Modeling of protein sequence and biophysical properties (such as structural, functional, and spatial information, amino acid conservation, physicochemical variation, residue mobility, and thermodynamic stability) indicates that this missense variant is expected to disrupt NPC1 protein function with a positive predictive value of 95%. In summary, the currently available evidence indicates that the variant is pathogenic, but additional data are needed to prove that conclusively. Therefore, this variant has been classified as Likely Pathogenic.

Myriad Genetics, Inc.
Classification: Uncertain significance for Niemann-Pick disease, type C1. Last evaluated: 2021-11-11. Review status: criteria provided, single submitter. Criteria: Myriad Women's Health Autosomal Recessive and X-Linked Classification Criteria (2021). Collection method: clinical testing. Allele origin: unknown.
Comment: NM_000271.4(NPC1):c.3281T>C(I1094T) is a missense variant classified as a variant of uncertain significance in the context of Niemann-Pick disease type C1. I1094T has been observed in cases with relevant disease (PMID: 27139891, 23433426, 12955717, 12408188). Functional assessments of this variant are not available in the literature. I1094T has been observed in population frequency databases (gnomAD: SAS 0.003%). In summary, there is insufficient evidence to classify NM_000271.4(NPC1):c.3281T>C(I1094T) as pathogenic or benign. Please note: this variant was assessed in the context of healthy population screening.

Mayo Clinic Laboratories, Mayo Clinic
Classification: Pathogenic for Niemann-Pick disease, type C1. Last evaluated: 2017-08-11. Review status: criteria provided, single submitter. Criteria: ACMG Guidelines, 2015. Collection method: clinical testing. Allele origin: paternal.

PreventionGenetics, part of Exact Sciences
Classification: Likely pathogenic for NPC1-related condition. Last evaluated: 2024-03-08. Review status: no assertion criteria provided. Collection method: clinical testing. Allele origin: germline. Not counted in ClinVar's aggregate classification.
Comment: The NPC1 c.3281T>C variant is predicted to result in the amino acid substitution p.Ile1094Thr. This variant has been reported in the compound heterozygous state with another NPC1 variant in two sets of siblings affected with Niemann-Pick disease type C (Family 3 in Kaminski et al 2002. PubMed ID: 12408188; Pts 020 and 021 in Stampfer et al. 2013. PubMed ID: 23433426). This variant is reported in 0.0033% of alleles in individuals of South Asian descent in gnomAD. This variant is interpreted as likely pathogenic.

Literature cited by the submitters: PubMed 12955717 (cited by Women's Health and Genetics/Laboratory Corporation of America, LabCorp and Myriad Genetics, Inc.); PubMed 23433426 (cited by 4 submitters); PubMed 27238017 (cited by Women's Health and Genetics/Laboratory Corporation of America, LabCorp); PubMed 15465421 (cited by Women's Health and Genetics/Laboratory Corporation of America, LabCorp); PubMed 27139891 (cited by 4 submitters); PubMed 31543266 (cited by Women's Health and Genetics/Laboratory Corporation of America, LabCorp); PubMed 34296265 (cited by Women's Health and Genetics/Laboratory Corporation of America, LabCorp and Natera, Inc.); PubMed 25425405 (cited by Women's Health and Genetics/Laboratory Corporation of America, LabCorp); PubMed 12408188 (cited by 3 submitters); PubMed 31509197 (cited by Women's Health and Genetics/Laboratory Corporation of America, LabCorp); PubMed 22585405 (cited by Women's Health and Genetics/Laboratory Corporation of America, LabCorp); PubMed 37032242 (cited by Women's Health and Genetics/Laboratory Corporation of America, LabCorp).

NM_000271.5(NPC1):c.3281T>C (p.Ile1094Thr)

Gene: NPC1 (NPC intracellular cholesterol transporter 1; minus strand). Cytogenetic location: 18q11.2.
Variant type: single nucleotide variant.
Coding change: c.3281T>C on transcript NM_000271.5 (MANE Select); coding-DNA position 3281, T replaced by C.
Protein change: p.Ile1094Thr; replaces isoleucine 1094 with threonine.
Molecular consequence: missense variant.
Genome position (GRCh38, 1-based): chr18:23,535,665, A>G on the plus strand (T>C on the coding strand, the complement: NPC1 is on the minus strand). VCF-style: chr18-23535665-A-G. GRCh37 (hg19) VCF-style: chr18-21115629-A-G.
Other names: short protein forms I1094T.
Identifiers: ClinVar variation 547997 (VCV000547997.23), dbSNP rs1338658857, ClinGen allele CA401791534.